The following is an entry in ClinVar:

ClinVar aggregate classification (germline): Benign. Review status: reviewed by expert panel (3 of 4 stars). 34 submissions from 33 submitters: Benign (1). 33 of the submissions do not count toward it. Last evaluated 2015-01-12.
ClinVar aggregate classification (somatic clinical impact): Tier IV - Benign/Likely benign (0 of 4 stars; one submission).

Conditions:
Familial cancer of breast. Also called: Hereditary breast cancer; hereditary breast carcinoma; BREAST CANCER, FAMILIAL. Identifiers: Orphanet 227535, MedGen C0346153, MONDO:0016419, OMIM 114480. Disease mechanism: loss of function.
Breast-ovarian cancer, familial, susceptibility to, 1 (BROVCA1). Also called: BRCA1 Hereditary Breast and Ovarian Cancer; OVARIAN CANCER, SUSCEPTIBILITY TO. Identifiers: Orphanet 145, MedGen C2676676, MONDO:0011450, OMIM 604370. Disease mechanism: loss of function.
Pancreatic cancer, susceptibility to, 4. Identifiers: Orphanet 1333, MedGen C3280442, MONDO:0013685, OMIM 614320.
Fanconi anemia, complementation group S (FANCS). Identifiers: MedGen C4554406, MONDO:0054748, OMIM 617883.
Hereditary cancer-predisposing syndrome. Also called: Tumor predisposition; Hereditary neoplastic syndrome; Hereditary Cancer Syndrome; Neoplastic Syndromes, Hereditary. Identifiers: Orphanet 140162, MedGen C0027672, MeSH D009386, MONDO:0015356.
Hereditary breast ovarian cancer syndrome. Also called: Hereditary breast and/or ovarian cancer syndrome; Breast and ovarian cancer; Hereditary breast and ovarian cancer syndrome; Hereditary breast and ovarian cancer; Hereditary breast and ovarian cancer syndrome (HBOC); BRCA1- and BRCA2-Associated Hereditary Breast and Ovarian Cancer. Identifiers: Orphanet 145, MedGen C0677776, MeSH D061325, MONDO:0003582. Disease mechanism: loss of function.

Allele frequency attached by ClinVar (database versions not stated): ESP Exome Variant Server 0.29568; TOPMed 0.30139; gnomAD 0.30810 and 0.31557; 1000 Genomes Project 0.33646; 1000 Genomes Project 30x 0.34728; ExAC 0.34826; gnomAD exomes 0.35262.
gnomAD v4.1: 542,412 of 1,613,688 alleles (34%); highest among the groups gnomAD compares: South Asian, 50%; 93,409 homozygotes.

Submissions 1 to 20 of 35:

Evidence-based Network for the Interpretation of Germline Mutant Alleles (ENIGMA)
Classification: Benign for Breast-ovarian cancer, familial 1. Last evaluated: 2015-01-12. Review status: reviewed by expert panel. Criteria: ENIGMA BRCA1/2 Classification Criteria (2015). Collection method: curation. Allele origin: germline.
Comment: Class 1 not pathogenic based on frequency >1% in an outbred sampleset. Frequency 0.3304 (Asian), 0.2154 (African), 0.3562 (European), derived from 1000 genomes (2012-04-30).

Labcorp Genetics (formerly Invitae), Labcorp
Classification: Benign for Hereditary breast ovarian cancer syndrome. Last evaluated: 2026-02-04. Review status: criteria provided, single submitter. Criteria: Invitae Variant Classification Sherloc (09022015). Collection method: clinical testing. Allele origin: germline. Not counted in ClinVar's aggregate classification.

ARUP Laboratories, Molecular Genetics and Genomics, ARUP Laboratories
Classification: Benign. Last evaluated: 2025-07-31. Review status: criteria provided, single submitter. Criteria: ARUP Molecular Germline Variant Investigation Process 2024. Collection method: clinical testing. Allele origin: germline. Not counted in ClinVar's aggregate classification.

Blueprint Genetics
Classification: Likely benign. Last evaluated: 2024-11-28. Review status: criteria provided, single submitter. Criteria: ACMG Guidelines, 2015. Collection method: clinical testing. Allele origin: germline. Not counted in ClinVar's aggregate classification.

KCCC/NGS Laboratory, Kuwait Cancer Control Center
Classification: Benign for Breast-ovarian cancer, familial, susceptibility to, 1. Last evaluated: 2023-07-07. Review status: criteria provided, single submitter. Criteria: ACMG Guidelines, 2015. Collection method: clinical testing. Allele origin: germline. Affected: yes. Not counted in ClinVar's aggregate classification.

National Health Laboratory Service, Universitas Academic Hospital and University of the Free State
Classification: Benign for Hereditary breast ovarian cancer syndrome. Last evaluated: 2022-04-19. Review status: criteria provided, single submitter. Criteria: ACMG Guidelines, 2015. Collection method: clinical testing. Allele origin: germline. Affected: yes. Observed: 640 variant alleles. Not counted in ClinVar's aggregate classification.

Genetics Program, Instituto Nacional de Cancer
Classification: Benign for Hereditary breast ovarian cancer syndrome. Last evaluated: 2021-11-01. Review status: criteria provided, single submitter. Criteria: ACMG Guidelines, 2015. Collection method: research. Allele origin: germline. Affected: yes. Not counted in ClinVar's aggregate classification.

Fulgent Genetics
Classification: Benign for Familial cancer of breast; Breast-ovarian cancer, familial, susceptibility to, 1; Pancreatic cancer, susceptibility to, 4; Fanconi anemia, complementation group S. Last evaluated: 2021-07-07. Review status: criteria provided, single submitter. Criteria: ACMG Guidelines, 2015. Collection method: clinical testing. Allele origin: unknown. Not counted in ClinVar's aggregate classification.

Genomic Research Center, Shahid Beheshti University of Medical Sciences
Classification: Benign for Familial cancer of breast. Last evaluated: 2020-05-03. Review status: criteria provided, single submitter. Criteria: ACMG Guidelines, 2015. Collection method: clinical testing. Allele origin: germline. Affected: yes. Not counted in ClinVar's aggregate classification.

Sema4
Classification: Benign for Hereditary cancer-predisposing syndrome. Last evaluated: 2020-02-24. Review status: criteria provided, single submitter. Criteria: Sema4 Curation Guidelines. Collection method: curation. Allele origin: germline. Not counted in ClinVar's aggregate classification.

Illumina Laboratory Services, Illumina
Classification: Benign for Breast-ovarian cancer, familial, susceptibility to, 1. Last evaluated: 2018-01-12. Review status: criteria provided, single submitter. Criteria: ICSL Variant Classification Criteria 13 December 2019. Collection method: clinical testing. Allele origin: germline. Not counted in ClinVar's aggregate classification.
Comment: This variant was observed in the ICSL laboratory as part of a predisposition screen in an ostensibly healthy population. It had not been previously curated by ICSL or reported in the Human Gene Mutation Database (HGMD: prior to June 1st, 2018), and was therefore a candidate for classification through an automated scoring system. Utilizing variant allele frequency, disease prevalence and penetrance estimates, and inheritance mode, an automated score was calculated to assess if this variant is too frequent to cause the disease. Based on the score and internal cut-off values, a variant classified as benign is not then subjected to further curation. The score for this variant resulted in a classification of benign for this disease.

GeneKor MSA
Classification: Benign. Last evaluated: 2017-11-01. Review status: criteria provided, single submitter. Criteria: ACMG Guidelines, 2015. Collection method: clinical testing. Allele origin: germline. Affected: yes. Not counted in ClinVar's aggregate classification.

Cancer Genetics and Genomics Laboratory, British Columbia Cancer Agency
Classification: Benign. Last evaluated: 2017-04-18. Review status: criteria provided, single submitter. Criteria: ACMG Guidelines, 2015. Collection method: clinical testing. Allele origin: germline. Study: The Canadian Open Genetics Repository (COGR). Not counted in ClinVar's aggregate classification.

Baylor Genetics
Classification: Benign for Familial cancer of breast. Last evaluated: 2017-02-23. Review status: criteria provided, single submitter. Criteria: ACMG Guidelines, 2015. Collection method: clinical testing. Allele origin: germline. Inheritance: Autosomal dominant inheritance. Affected: no. Not counted in ClinVar's aggregate classification.

Laboratory for Molecular Medicine, Mass General Brigham Personalized Medicine
Classification: Benign. Last evaluated: 2016-02-09. Review status: criteria provided, single submitter. Criteria: LMM Criteria. Collection method: clinical testing. Allele origin: germline. Observed: 3 variant alleles. Not counted in ClinVar's aggregate classification.
Comment: p.Ser694Ser in exon 10 of BRCA1: This variant is not expected to have clinical s ignificance because it has been identified in 34.8% (42232/121264) of total chro mosomes by the Exome Aggregation Consortium (ExAC, g; dbSNP rs1799949).

Clinical Genetics DNA and cytogenetics Diagnostics Lab, Erasmus MC, Erasmus Medical Center
Classification: Benign for Breast-ovarian cancer, familial, susceptibility to, 1. Last evaluated: 2015-09-21. Review status: criteria provided, single submitter. Criteria: ACGS Guidelines, 2013. Collection method: clinical testing. Allele origin: germline. Affected: yes. Study: VKGL Data-share Consensus. Not counted in ClinVar's aggregate classification.

Eurofins Ntd Llc (ga)
Classification: Benign. Last evaluated: 2015-07-06. Review status: criteria provided, single submitter. Criteria: EGL Classification Definitions 2015. Collection method: clinical testing. Allele origin: germline. Observed: 216 variant alleles, 184 heterozygotes, 32 homozygotes. Not counted in ClinVar's aggregate classification.

Color Diagnostics, LLC DBA Color Health
Classification: Benign for Hereditary cancer-predisposing syndrome. Last evaluated: 2014-11-21. Review status: criteria provided, single submitter. Criteria: ACMG Guidelines, 2015. Collection method: clinical testing. Allele origin: germline. Not counted in ClinVar's aggregate classification.

Molecular Genetics Laboratory, University of Michigan
Classification: Benign for Breast-ovarian cancer, familial, susceptibility to, 1. Last evaluated: 2014-11-03. Review status: criteria provided, single submitter. Criteria: ACMG Guidelines, 2015. Collection method: clinical testing. Allele origin: germline. Affected: yes. Not counted in ClinVar's aggregate classification.

Genome Diagnostics Laboratory, University Medical Center Utrecht
Classification: Benign for Breast-ovarian cancer, familial, susceptibility to, 1. Last evaluated: 2014-10-10. Review status: criteria provided, single submitter. Criteria: ACGS Guidelines, 2013. Collection method: clinical testing. Allele origin: germline. Affected: yes. Study: VKGL Data-share Consensus. Not counted in ClinVar's aggregate classification.

NM_007294.4(BRCA1):c.2082C>T (p.Ser694=)

Gene: BRCA1 (BRCA1 DNA repair associated; minus strand). Cytogenetic location: 17q21.31.
Variant type: single nucleotide variant.
Coding change: c.2082C>T on transcript NM_007294.4 (MANE Select); coding-DNA position 2082, C replaced by T.
Protein change: p.Ser694=; no amino-acid change (serine 694 retained).
Molecular consequence: synonymous variant. On other transcripts: intron variant (137).
Genome position (GRCh38, 1-based): chr17:43,093,449, G>A on the plus strand (C>T on the coding strand, the complement: BRCA1 is on the minus strand). VCF-style: chr17-43093449-G-A. GRCh37 (hg19) VCF-style: chr17-41245466-G-A.
Other names: 2201C/T; S694S; 2201 C>T; NP_009225.1:p.Ser694=; 2201C>T; c.454+1295C>T (NM_001408502.1); c.577+1295C>T (NM_001408489.1, NM_001408479.1, NM_001408482.1 and 9 more transcripts); c.661+1295C>T (NM_001408445.1, NM_001408432.1, NM_001408450.1 and 6 more transcripts); and 45 more.
Identifiers: ClinVar variation 125536 (VCV000125536.93), dbSNP rs1799949, ClinGen allele CA001382.